The following is an entry in ClinVar:

ClinVar aggregate classification (germline): Uncertain significance. Review status: criteria provided, multiple submitters, no conflicts (2 of 4 stars). 3 submissions from 3 submitters: Uncertain significance (3). Last evaluated 2025-04-27.

Conditions:
Hereditary cancer-predisposing syndrome. Also called: Hereditary Cancer Syndrome; Neoplastic Syndromes, Hereditary; Tumor predisposition; Hereditary neoplastic syndrome. Identifiers: Orphanet 140162, MedGen C0027672, MeSH D009386, MONDO:0015356.
Neurofibromatosis, type 1 (NF1). Also called: Neurofibromatosis, type I; VON RECKLINGHAUSEN DISEASE; NEUROFIBROMATOSIS, TYPE I, SOMATIC; Peripheral type neurofibromatosis. Identifiers: Orphanet 636, MedGen C0027831, MONDO:0018975, OMIM 162200. Disease mechanism: loss of function.

Allele frequency attached by ClinVar (database versions not stated): gnomAD exomes below 0.00001; ExAC 0.00001.
gnomAD v4.1: 4 of 1,589,810 alleles (0.00025%); highest among the groups gnomAD compares: Admixed American, 0.0017%; no homozygotes.

Submissions (3):

Labcorp Genetics (formerly Invitae), Labcorp
Classification: Uncertain significance for Neurofibromatosis, type 1. Last evaluated: 2025-04-27. Review status: criteria provided, single submitter. Criteria: Invitae Variant Classification Sherloc (09022015). Collection method: clinical testing. Allele origin: germline.
Comment: This sequence change falls in intron 23 of the NF1 gene. It does not directly change the encoded amino acid sequence of the NF1 protein. It affects a nucleotide within the consensus splice site. This variant is present in population databases (rs773097190, gnomAD 0.003%). This variant has not been reported in the literature in individuals affected with NF1-related conditions. ClinVar contains an entry for this variant (Variation ID: 231697). Variants that disrupt the consensus splice site are a relatively common cause of aberrant splicing (PMID: 17576681, 9536098). Algorithms developed to predict the effect of sequence changes on RNA splicing suggest that this variant is not likely to affect RNA splicing. In summary, the available evidence is currently insufficient to determine the role of this variant in disease. Therefore, it has been classified as a Variant of Uncertain Significance.

Genome-Nilou Lab
Classification: Uncertain significance for Neurofibromatosis, type 1. Last evaluated: 2022-03-15. Review status: criteria provided, single submitter. Criteria: ACMG Guidelines, 2015. Collection method: clinical testing. Allele origin: germline. Affected: no.

Ambry Genetics
Classification: Uncertain significance for Hereditary cancer-predisposing syndrome. Last evaluated: 2015-05-08. Review status: criteria provided, single submitter. Criteria: Ambry Autosomal Dominant and X-Linked criteria (10/2015). Collection method: clinical testing. Allele origin: germline. Observed: 1 variant allele.
Comment: The c.3114-3T>C intronic variant results from a T to C substitution 3 nucleotides upstream from coding exon 24 in the NF1 gene. This variant was not reported in population based cohorts in the following databases: Database of Single Nucleotide Polymorphisms (dbSNP), NHLBI Exome Sequencing Project (ESP), and 1000 Genomes Project. In the ESP, this variant was not observed in 6501 samples (13002 alleles) with coverage at this position. This nucleotide position is not well conserved in available vertebrate species. To date, this alteration has been detected with an allele frequency of approximately 0.002% (greater than 55000alleles tested) in our clinical cohort. Using the BDGP and ESEfinder splice site prediction tools, this alteration is not predicted to have any significant effect on the native splice acceptor site; however, direct evidence is unavailable. Since supporting evidence is limited at this time, the clinical significance of c.3114-3T>C remains unclear.

Literature cited by the submitters: PubMed 17576681 (cited by Labcorp Genetics (formerly Invitae), Labcorp); PubMed 9536098 (cited by Labcorp Genetics (formerly Invitae), Labcorp).

NM_001042492.3(NF1):c.3114-3T>C

Gene: NF1 (neurofibromin 1; plus strand). Cytogenetic location: 17q11.2.
Variant type: single nucleotide variant.
Coding change: c.3114-3T>C on transcript NM_001042492.3 (MANE Select); 3 bases into the intron before coding-DNA position 3114, T replaced by C.
Molecular consequence: intron variant.
Genome position (GRCh38, 1-based): chr17:31,230,839, T>C. VCF-style: chr17-31230839-T-C. GRCh37 (hg19) VCF-style: chr17-29557857-T-C.
Other names: c.3114-3T>C (NM_000267.4).
Identifiers: ClinVar variation 231697 (VCV000231697.10), dbSNP rs773097190, ClinGen allele CA8486098.
Genomic context (GRCh38, chr17:31,230,839, plus strand): 5'-AAAGGTGTGTGTGTGGCTTCAAAAACATTGTTTGCTGTTTCTCTTTTCTCCACCATTCTA[T>C]AGGAATAAGATGGTAGAATACCTGACAGACTGGGTTATGGGAACATCAAACCAAGCAGCA-3'